The following is an entry in ClinVar:

NM_001358530.2(MOCS1):c.1745G>A (p.Arg582Gln)

Gene: MOCS1 (molybdenum cofactor synthesis 1; minus strand). Cytogenetic location: 6p21.2.
Variant type: single nucleotide variant.
Coding change: c.1745G>A on transcript NM_001358530.2 (MANE Select); coding-DNA position 1745, G replaced by A.
Protein change: p.Arg582Gln; replaces arginine 582 with glutamine.
Molecular consequence: missense variant. On other transcripts: 3 prime UTR variant (4), non-coding transcript variant (1).
Genome position (GRCh38, 1-based): chr6:39,906,523, C>T on the plus strand (G>A on the coding strand, the complement: MOCS1 is on the minus strand). VCF-style: chr6-39906523-C-T. GRCh37 (hg19) VCF-style: chr6-39874299-C-T.
Other names: c.*602G>A (NM_001075098.4, NM_001358533.2, NM_001358534.2 and 1 more transcripts); c.1697G>A, p.Arg566Gln (NM_001358529.2); c.1484G>A, p.Arg495Gln (NM_001358531.2); short protein forms R566Q, R582Q, R495Q.
Identifiers: ClinVar variation 1977447 (VCV001977447.2), dbSNP rs762229041, ClinGen allele CA3795902.

ClinVar aggregate classification (germline): Uncertain significance (1 of 4 stars; one submission).

Conditions:
Sulfite oxidase deficiency due to molybdenum cofactor deficiency type A. Also called: Molybdenum Cofactor Deficiency A; Molybdenum cofactor deficiency, complementation group A. Identifiers: Orphanet 308386, Orphanet 833, MedGen C1854988, MONDO:0009643, OMIM 252150.

Allele frequency attached by ClinVar (database versions not stated): ExAC 0.00002; gnomAD exomes 0.00002.
gnomAD v4.1: 26 of 1,613,764 alleles (0.0016%); highest among the groups gnomAD compares: African/African-American, 0.004%; no homozygotes.

Submission:

Labcorp Genetics (formerly Invitae), Labcorp
Classification: Uncertain significance for Sulfite oxidase deficiency due to molybdenum cofactor deficiency type A. Last evaluated: 2022-08-20. Review status: criteria provided, single submitter. Criteria: Invitae Variant Classification Sherloc (09022015). Collection method: clinical testing. Allele origin: germline.
Comment: This sequence change replaces arginine, which is basic and polar, with glutamine, which is neutral and polar, at codon 582 of the MOCS1 protein (p.Arg582Gln). This variant is present in population databases (rs762229041, gnomAD 0.01%). This variant has not been reported in the literature in individuals affected with MOCS1-related conditions. Algorithms developed to predict the effect of missense changes on protein structure and function output the following: SIFT: "Not Available"; PolyPhen-2: "Benign"; Align-GVGD: "Not Available". The glutamine amino acid residue is found in multiple mammalian species, which suggests that this missense change does not adversely affect protein function. In summary, the available evidence is currently insufficient to determine the role of this variant in disease. Therefore, it has been classified as a Variant of Uncertain Significance.